The following is an entry in ClinVar:

NC_000016.10:g.68828174_68828304del

Gene: CDH1 (cadherin 1; plus strand). Cytogenetic location: 16q22.1.
Variant type: Deletion.
Genome position: GRCh38: chr16:68,828,174-68,828,304. GRCh37 (hg19): chr16:68,862,077-68,862,207.
Identifiers: ClinVar variation 1050193 (VCV001050193.2), ClinGen allele CA2499223673.

ClinVar aggregate classification (germline): Pathogenic (0 of 4 stars; one submission).

Submission:

Department of Pathology and Laboratory Medicine, Sinai Health System
Classification: Pathogenic. Review status: no assertion criteria provided. Collection method: clinical testing. Allele origin: unknown. Affected: yes. Study: The Canadian Open Genetics Repository (COGR).
Comment: The CDH1 c.2166-?_2295+?del variant (chr:16 g.68862078_68862207del GRCh37) results in a deletion of exon14, although the precise breakpoints of this deletion were not determined, nor were the effects of this variant on the resulting mRNA or protein product determined. The CDH1 p.Ile722MetfsX5 variant was not identified in the literature nor was it identified in the dbSBP, ClinVar, Cosmic, Insight Colon Cancer Gene Variant Database, Zhejiang Colon Cancer Database, the 1000 Genomes Project, the NHLBI GO Exome Sequencing Project or the Exome Aggregation Consortium (August 8th 2016) control databases. The c.2166-?_2295+?del variant is predicted to cause a frameshift, which alters the protein's amino acid sequence beginning at codon 722 and leads to a premature stop codon at position 726. This alteration is then predicted to result in a truncated or absent protein and loss of function. Loss of function variants of the CDH1 gene are an established mechanism of disease and is the type of variant expected to cause the disorder. In summary, based on the above information this variant meets our laboratory's criteria to be classified as pathogenic.